The following is an entry in ClinVar:

NM_004859.4(CLTC):c.2033del (p.Asn678fs)

Gene: CLTC (clathrin heavy chain; plus strand). Cytogenetic location: 17q23.1.
Variant type: Deletion.
Coding change: c.2033del on transcript NM_004859.4 (MANE Select); coding-DNA position 2033, one base deleted (A; older notation c.2033delA).
Protein change: p.Asn678fs; shifts the reading frame from asparagine 678.
Molecular consequence: frameshift variant.
Genome position (GRCh38, 1-based): chr17:59,666,882, A deleted; the last of 2 consecutive A bases (chr17:59,666,881-59,666,882); deleting either gives the same sequence. VCF-style (leftmost placement, unchanged base first): chr17-59666880-GA-G. GRCh37 (hg19) VCF-style: chr17-57744241-GA-G.
Other names: c.2045del, p.Asn682fs (NM_001288653.2); short protein forms N678fs, N682fs.
Identifiers: ClinVar variation 4850704 (VCV004850704.1).

ClinVar aggregate classification (germline): Likely pathogenic (1 of 4 stars; one submission).

Conditions:
Intellectual developmental disorder, autosomal dominant 56. Also called: MENTAL RETARDATION, AUTOSOMAL DOMINANT 56; Intellectual disability, autosomal dominant 56. Identifiers: MedGen C4693389, MONDO:0030922, OMIM 617854.

Submission:

Variantyx, Inc.
Classification: Likely pathogenic for Intellectual developmental disorder, autosomal dominant 56. Last evaluated: 2025-06-15. Review status: criteria provided, single submitter. Criteria: Variantyx Assertion Criteria 2022. Collection method: clinical testing. Allele origin: de novo. Inheritance: Autosomal dominant inheritance. Affected: yes.
Comment: This is a frameshift variant in the CLTC gene (OMIM: 118955). Pathogenic variants in this gene have been associated with autosomal dominant intellectual developmental disorder 56. This variant has not been reported in individuals with CLTC-related disorders in the databases available for review. This variant introduces a premature termination codon in exon 13 out of 32and is expected to result in loss of function, which is a known disease mechanism for CLTC in this disorder (PMID: 31776469, 26822784, 33041083, 29100083) (PVS1). This variBased on the current evidence, this variant is classified as likely pathogenic for autosomal dominant intellectual developmental disorder 56.

Literature cited by the submitters: PubMed 31776469; PubMed 26822784; PubMed 33041083; PubMed 29100083.